The following is an entry in ClinVar:

NM_005633.4(SOS1):c.721G>A (p.Asp241Asn)

Gene: SOS1 (SOS Ras/Rac guanine nucleotide exchange factor 1; minus strand). Cytogenetic location: 2p22.1.
Variant type: single nucleotide variant.
Coding change: c.721G>A on transcript NM_005633.4 (MANE Select); coding-DNA position 721, G replaced by A.
Protein change: p.Asp241Asn; replaces aspartic acid 241 with asparagine.
Molecular consequence: missense variant.
Genome position (GRCh38, 1-based): chr2:39,051,287, C>T on the plus strand (G>A on the coding strand, the complement: SOS1 is on the minus strand). VCF-style: chr2-39051287-C-T. GRCh37 (hg19) VCF-style: chr2-39278428-C-T.
Other names: c.700G>A, p.Asp234Asn (NM_001382394.1); c.721G>A, p.Asp241Asn (NM_001382395.1); short protein forms D234N, D241N.
Identifiers: ClinVar variation 4279620 (VCV004279620.1).

ClinVar aggregate classification (germline): Uncertain significance (1 of 4 stars; one submission).

Conditions:
Noonan syndrome 4 (NS4). Also called: NOONAN SYNDROME WITH PIGMENTED VILLONODULAR SYNOVITIS; SOS1-Related Noonan Syndrome. Identifiers: Orphanet 648, MedGen C1853120, MONDO:0012547, OMIM 610733.

Submission:

Diagnostics Services (NGS), CSIR - Centre For Cellular And Molecular Biology
Classification: Uncertain significance for Noonan syndrome 4. Last evaluated: 2025-09-26. Review status: criteria provided, single submitter. Criteria: ACMG Guidelines, 2015. Collection method: clinical testing. Allele origin: germline. Affected: yes. Observed: 1 variant allele, 1 heterozygote.
Comment: The c.721G>A variant is not present in publicly available population databases like 1000 Genomes, EVS, gnomAD, Indian Exome Database or our internal database. This variant has neither been published in the literature in individuals affected with SOS1-related conditions nor reported to the clinical databases like Human Genome Mutation Database (HGMD), ClinVar or OMIM, in any affected individuals. In-silico pathogenicity prediction programs like Polyphen-2, MutationTaster2021, CADD etc predicted this variant to be likely deleterious however these predictions were not confirmed by published functional studies.